The following is an entry in ClinVar:

ClinVar aggregate classification (germline): Uncertain significance (1 of 4 stars; one submission).

Conditions:
Isovaleryl-CoA dehydrogenase deficiency (IVA). Also called: Classic Isovaleric Acidemia; IVD DEFICIENCY; Isovaleric acidemia; ISOVALERIC ACID CoA DEHYDROGENASE DEFICIENCY. Identifiers: Orphanet 33, MedGen C0268575, MONDO:0009475, OMIM 243500.

Submission:

Labcorp Genetics (formerly Invitae), Labcorp
Classification: Uncertain significance for Isovaleryl-CoA dehydrogenase deficiency. Last evaluated: 2020-08-06. Review status: criteria provided, single submitter. Criteria: Invitae Variant Classification Sherloc (09022015). Collection method: clinical testing. Allele origin: germline.
Comment: In summary, the available evidence is currently insufficient to determine the role of this variant in disease. Therefore, it has been classified as a Variant of Uncertain Significance. Algorithms developed to predict the effect of missense changes on protein structure and function (SIFT, PolyPhen-2, Align-GVGD) all suggest that this variant is likely to be disruptive, but these predictions have not been confirmed by published functional studies and their clinical significance is uncertain. This variant has not been reported in the literature in individuals with IVD-related disease. This variant is not present in population databases (ExAC no frequency). This sequence change replaces leucine with proline at codon 297 of the IVD protein (p.Leu297Pro). The leucine residue is moderately conserved and there is a moderate physicochemical difference between leucine and proline.

NM_002225.5(IVD):c.881T>C (p.Leu294Pro)

Gene: IVD (isovaleryl-CoA dehydrogenase; plus strand). Cytogenetic location: 15q15.1.
Variant type: single nucleotide variant.
Coding change: c.881T>C on transcript NM_002225.5 (MANE Select); coding-DNA position 881, T replaced by C.
Protein change: p.Leu294Pro; replaces leucine 294 with proline.
Molecular consequence: missense variant. On other transcripts: non-coding transcript variant (1).
Genome position (GRCh38, 1-based): chr15:40,415,403, T>C. VCF-style: chr15-40415403-T-C. GRCh37 (hg19) VCF-style: chr15-40707602-T-C.
Other names: c.791T>C, p.Leu264Pro (NM_001159508.3); c.833T>C, p.Leu278Pro (NM_001354597.3); c.881T>C, p.Leu294Pro (NM_001354598.3, NM_001354601.3); c.968T>C, p.Leu323Pro (NM_001354599.3, NM_001354600.3); short protein forms L278P, L294P, L264P, L323P.
Identifiers: ClinVar variation 529435 (VCV000529435.8), dbSNP rs1555404933, ClinGen allele CA391721237.
Genomic context (GRCh38, chr15:40,415,403, plus strand): 5'-CACCACACCCGGTGGTGGGATGAGGAGGTGCCCACGGGGCCTTTCTCCTTTCTGACAGGC[T>C]CATGCAAGCGGTCCTGGACCACACCATTCCCTACCTGCACGTGAGGGAAGCCTTTGGCCA-3'
Protein context (NP_002216.3, residues 284-304): RLVLAGGPLG[Leu294Pro]MQAVLDHTIP